The following is an entry in ClinVar:

NM_000384.3(APOB):c.6659T>C (p.Val2220Ala)

Gene: APOB (apolipoprotein B; minus strand). Cytogenetic location: 2p24.1.
Variant type: single nucleotide variant.
Coding change: c.6659T>C on transcript NM_000384.3 (MANE Select); coding-DNA position 6659, T replaced by C.
Protein change: p.Val2220Ala; replaces valine 2220 with alanine.
Molecular consequence: missense variant.
Genome position (GRCh38, 1-based): chr2:21,010,209, A>G on the plus strand (T>C on the coding strand, the complement: APOB is on the minus strand). VCF-style: chr2-21010209-A-G. GRCh37 (hg19) VCF-style: chr2-21233081-A-G.
Other names: short protein forms V2220A.
Identifiers: ClinVar variation 451375 (VCV000451375.24), dbSNP rs374736992, ClinGen allele CA063428.

ClinVar aggregate classification (germline): Conflicting classifications of pathogenicity. Review status: criteria provided, conflicting classifications (1 of 4 stars). 8 submissions from 7 submitters: Uncertain significance (6); Likely benign (2). Last evaluated 2025-08-05.

Conditions:
APOB-related disorder. Also called: APOB-related condition; APOB-related disorders.
Cardiovascular phenotype. Identifiers: MedGen CN230736.
Familial hypobetalipoproteinemia 1. Also called: Hypobetalipoproteinemia, normotriglyceridemic; Acanthocytosis with hypobetalipoproteinemia; APOB-Related Familial Hypobetalipoproteinemia. Identifiers: MedGen C4551990, MONDO:0014252, OMIM 615558.
Hypercholesterolemia, autosomal dominant, type B (FHCL2). Also called: Familial hypercholesterolemia 2; Familial Hypercholesterolemia Type B; HYPERCHOLESTEROLEMIA, FAMILIAL, DUE TO LIGAND-DEFECTIVE APOLIPOPROTEIN B; APOLIPOPROTEIN B-100, FAMILIAL DEFECTIVE; APOLIPOPROTEIN B-100, FAMILIAL LIGAND-DEFECTIVE; Hyperlipoproteinemia Type IIb. Identifiers: MedGen C1704417, MONDO:0007751, OMIM 144010.

Allele frequency attached by ClinVar (database versions not stated): ExAC 0.00003; gnomAD 0.00003; gnomAD exomes 0.00003 and 0.00007; TOPMed 0.00003; ESP Exome Variant Server 0.00015.
gnomAD v4.1: 99 of 1,592,362 alleles (0.0062%); highest among the groups gnomAD compares: Non-Finnish European, 0.0082%; no homozygotes.

Submissions (8):

Quest Diagnostics Nichols Institute San Juan Capistrano
Classification: Uncertain significance. Last evaluated: 2025-08-05. Review status: criteria provided, single submitter. Criteria: Quest Diagnostics criteria. Collection method: clinical testing. Allele origin: unknown.
Comment: The APOB c.6659T>C (p.Val2220Ala) variant has not been reported in individuals with APOB-related conditions in the published literature. The frequency of this variant in the general population (Genome Aggregation Database) is uninformative in the assessment of its pathogenicity. Analysis of this variant using bioinformatics tools for the prediction of the effect of amino acid changes on protein structure and function yielded predictions that this variant is benign. Based on the available information, we are unable to determine the clinical significance of this variant.

Labcorp Genetics (formerly Invitae), Labcorp
Classification: Likely benign for Familial hypobetalipoproteinemia 1; Hypercholesterolemia, autosomal dominant, type B. Last evaluated: 2025-07-18. Review status: criteria provided, single submitter. Criteria: Invitae Variant Classification Sherloc (09022015). Collection method: clinical testing. Allele origin: germline.

PreventionGenetics, part of Exact Sciences
Classification: Uncertain significance for APOB-related condition. Last evaluated: 2025-07-09. Review status: criteria provided, single submitter. Criteria: ACMG Guidelines, 2015. Collection method: clinical testing. Allele origin: germline.
Comment: The APOB c.6659T>C variant is predicted to result in the amino acid substitution p.Val2220Ala. To our knowledge, this variant has not been reported in the literature. This variant is reported in 0.0063% of alleles in individuals of European (Non-Finnish) descent in gnomAD. At this time, the clinical significance of this variant is uncertain due to the absence of conclusive functional and genetic evidence.

Ambry Genetics
Classification: Likely benign for Cardiovascular phenotype. Last evaluated: 2024-08-09. Review status: criteria provided, single submitter. Criteria: Ambry Variant Classification Scheme 2023. Collection method: clinical testing. Allele origin: germline.

Blueprint Genetics
Classification: Uncertain significance. Last evaluated: 2023-12-07. Review status: criteria provided, single submitter. Criteria: ACMG Guidelines, 2015. Collection method: clinical testing. Allele origin: germline.

GeneDx
Classification: Uncertain significance. Last evaluated: 2022-02-10. Review status: criteria provided, single submitter. Criteria: GeneDx Variant Classification Process June 2021. Collection method: clinical testing. Allele origin: germline. Affected: yes.
Comment: Has not been previously published as pathogenic or benign to our knowledge; In silico analysis supports that this missense variant does not alter protein structure/function

Illumina Laboratory Services, Illumina
Classification: Uncertain significance for Familial hypobetalipoproteinemia 1. Last evaluated: 2018-01-12. Review status: criteria provided, single submitter. Criteria: ICSL Variant Classification Criteria 13 December 2019. Collection method: clinical testing. Allele origin: germline.

Illumina Laboratory Services, Illumina
Classification: Uncertain significance for Hypercholesterolemia, autosomal dominant, type B. Last evaluated: 2018-01-12. Review status: criteria provided, single submitter. Criteria: ICSL Variant Classification Criteria 13 December 2019. Collection method: clinical testing. Allele origin: germline.

Literature cited by the submitters: PubMed 30122538 (cited by Quest Diagnostics Nichols Institute San Juan Capistrano).